The following is an entry in ClinVar:

NM_001110556.2(FLNA):c.6870C>A (p.Asp2290Glu)

Gene: FLNA (filamin A; minus strand). Cytogenetic location: Xq28.
Variant type: single nucleotide variant.
Coding change: c.6870C>A on transcript NM_001110556.2 (MANE Select); coding-DNA position 6870, C replaced by A.
Protein change: p.Asp2290Glu; replaces aspartic acid 2290 with glutamic acid.
Molecular consequence: missense variant.
Genome position (GRCh38, 1-based): chrX:154,351,921, G>T on the plus strand (C>A on the coding strand, the complement: FLNA is on the minus strand). VCF-style: chrX-154351921-G-T. GRCh37 (hg19) VCF-style: chrX-153580289-G-T.
Other names: c.6846C>A, p.Asp2282Glu (NM_001456.4); short protein forms D2282E, D2290E.
Identifiers: ClinVar variation 1413177 (VCV001413177.6), dbSNP rs782651736, ClinGen allele CA415186316.

ClinVar aggregate classification (germline): Uncertain significance (1 of 4 stars; one submission).

Conditions:
Melnick-Needles syndrome (MNS). Also called: MELNICK-NEEDLES OSTEODYSPLASTY; Melnick-Needles Syndrome (FLNA-MNS); OSTEODYSPLASTY OF MELNICK AND NEEDLES. Identifiers: Orphanet 2484, MedGen C0025237, MONDO:0010650, OMIM 309350.
Frontometaphyseal dysplasia (FMD1). Identifiers: Orphanet 1826, MedGen C0265293, MONDO:0015942.
Heterotopia, periventricular, X-linked dominant (PVNH1). Also called: PERIVENTRICULAR NODULAR HETEROTOPIA 1; X-linked periventricular heterotopia; PERIVENTRICULAR NODULAR HETEROTOPIA 4; HETEROTOPIA, PERIVENTRICULAR, 1. Identifiers: Orphanet 2149, Orphanet 82004, MedGen C1848213, MONDO:0010233, OMIM 300049.
Oto-palato-digital syndrome, type II (OPD2). Also called: FACIOPALATOOSSEOUS SYNDROME; Otopalatodigital Syndrome Type 2 (FLNA-OPD2); OPD II SYNDROME; Otopalatodigital Syndrome, Type II. Identifiers: Orphanet 669, Orphanet 90652, MedGen C1844696, MONDO:0010571, OMIM 304120.

Submission:

Labcorp Genetics (formerly Invitae), Labcorp
Classification: Uncertain significance for Oto-palato-digital syndrome, type II; Heterotopia, periventricular, X-linked dominant; Frontometaphyseal dysplasia; Melnick-Needles syndrome. Last evaluated: 2021-09-09. Review status: criteria provided, single submitter. Criteria: Invitae Variant Classification Sherloc (09022015). Collection method: clinical testing. Allele origin: germline.
Comment: This sequence change replaces aspartic acid with glutamic acid at codon 2282 of the FLNA protein (p.Asp2282Glu). The aspartic acid residue is highly conserved and there is a small physicochemical difference between aspartic acid and glutamic acid. This variant is not present in population databases (ExAC no frequency). This variant has not been reported in the literature in individuals affected with FLNA-related conditions. Advanced modeling of protein sequence and biophysical properties (such as structural, functional, and spatial information, amino acid conservation, physicochemical variation, residue mobility, and thermodynamic stability) performed at Invitae indicates that this missense variant is not expected to disrupt FLNA protein function. In summary, the available evidence is currently insufficient to determine the role of this variant in disease. Therefore, it has been classified as a Variant of Uncertain Significance.